The following is an entry in ClinVar:

ClinVar aggregate classification (germline): Uncertain significance. Review status: criteria provided, multiple submitters, no conflicts (2 of 4 stars). 4 submissions from 4 submitters: Uncertain significance (4). Last evaluated 2025-04-24.

Conditions:
Fanconi anemia complementation group J. Also called: BRIP1-Related Fanconi Anemia. Identifiers: Orphanet 84, MedGen C1836860, MONDO:0012187, OMIM 609054.
Familial cancer of breast. Also called: Hereditary breast cancer; hereditary breast carcinoma; BREAST CANCER, FAMILIAL. Identifiers: Orphanet 227535, MedGen C0346153, MONDO:0016419, OMIM 114480. Disease mechanism: loss of function.
Hereditary cancer-predisposing syndrome. Also called: Hereditary Cancer Syndrome; Neoplastic Syndromes, Hereditary; Tumor predisposition; Hereditary neoplastic syndrome. Identifiers: Orphanet 140162, MedGen C0027672, MeSH D009386, MONDO:0015356.

Allele frequency attached by ClinVar (database versions not stated): TOPMed below 0.00001.

Submissions (4):

Labcorp Genetics (formerly Invitae), Labcorp
Classification: Uncertain significance for Familial cancer of breast; Fanconi anemia complementation group J. Last evaluated: 2025-04-24. Review status: criteria provided, single submitter. Criteria: Invitae Variant Classification Sherloc (09022015). Collection method: clinical testing. Allele origin: germline.
Comment: This sequence change replaces tyrosine, which is neutral and polar, with asparagine, which is neutral and polar, at codon 22 of the BRIP1 protein (p.Tyr22Asn). This variant is not present in population databases (gnomAD no frequency). This variant has not been reported in the literature in individuals affected with BRIP1-related conditions. ClinVar contains an entry for this variant (Variation ID: 231186). Invitae Evidence Modeling of protein sequence and biophysical properties (such as structural, functional, and spatial information, amino acid conservation, physicochemical variation, residue mobility, and thermodynamic stability) has been performed for this missense variant. However, the output from this modeling did not meet the statistical confidence thresholds required to predict the impact of this variant on BRIP1 protein function. In summary, the available evidence is currently insufficient to determine the role of this variant in disease. Therefore, it has been classified as a Variant of Uncertain Significance.

Color Diagnostics, LLC DBA Color Health
Classification: Uncertain significance for Hereditary cancer-predisposing syndrome. Last evaluated: 2023-07-10. Review status: criteria provided, single submitter. Criteria: ACMG Guidelines, 2015. Collection method: clinical testing. Allele origin: germline.
Comment: This missense variant replaces tyrosine with asparagine at codon 22 of the BRIP1 protein. Computational prediction is inconclusive regarding the impact of this variant on protein structure and function (internally defined REVEL score threshold 0.5 < inconclusive < 0.7, PMID: 27666373). To our knowledge, functional studies have not been reported for this variant. This variant has not been reported in individuals affected with BRIP1-related disorders in the literature. This variant has not been identified in the general population by the Genome Aggregation Database (gnomAD). The available evidence is insufficient to determine the role of this variant in disease conclusively. Therefore, this variant is classified as a Variant of Uncertain Significance.

GeneDx
Classification: Uncertain significance. Last evaluated: 2022-10-06. Review status: criteria provided, single submitter. Criteria: GeneDx Variant Classification Process June 2021. Collection method: clinical testing. Allele origin: germline. Affected: yes.
Comment: Not observed at significant frequency in large population cohorts (gnomAD); In silico analysis supports that this missense variant has a deleterious effect on protein structure/function; Has not been previously published as pathogenic or benign to our knowledge

Ambry Genetics
Classification: Uncertain significance for Hereditary cancer-predisposing syndrome. Last evaluated: 2020-11-09. Review status: criteria provided, single submitter. Criteria: Ambry Variant Classification Scheme 2023. Collection method: clinical testing. Allele origin: germline.
Comment: The p.Y22N variant (also known as c.64T>A), located in coding exon 1 of the BRIP1 gene, results from a T to A substitution at nucleotide position 64. The tyrosine at codon 22 is replaced by asparagine, an amino acid with dissimilar properties. This amino acid position is highly conserved in available vertebrate species. In addition, this alteration is predicted to be deleterious by in silico analysis. Since supporting evidence is limited at this time, the clinical significance of this alteration remains unclear.

NM_032043.3(BRIP1):c.64T>A (p.Tyr22Asn)

Gene: BRIP1 (BRCA1 interacting DNA helicase 1; minus strand). Cytogenetic location: 17q23.2.
Variant type: single nucleotide variant.
Coding change: c.64T>A on transcript NM_032043.3 (MANE Select); coding-DNA position 64, T replaced by A.
Protein change: p.Tyr22Asn; replaces tyrosine 22 with asparagine.
Molecular consequence: missense variant.
Genome position (GRCh38, 1-based): chr17:61,861,476, A>T on the plus strand (T>A on the coding strand, the complement: BRIP1 is on the minus strand). VCF-style: chr17-61861476-A-T. GRCh37 (hg19) VCF-style: chr17-59938837-A-T.
Other names: short protein forms Y22N.
Identifiers: ClinVar variation 231186 (VCV000231186.16), dbSNP rs876659008, ClinGen allele CA10580896.